The following is an entry in ClinVar:

ClinVar aggregate classification (germline): Benign (1 of 4 stars; one submission).

Allele frequency attached by ClinVar (database versions not stated): 1000 Genomes Project 30x 0.97548; 1000 Genomes Project 0.97624; TOPMed 0.97940; gnomAD 0.98013 and 0.98141.
gnomAD v4.1: 149,471 of 152,278 alleles (98%); highest among the groups gnomAD compares: East Asian, 100%; 73,416 homozygotes.

Submission:

GeneDx
Classification: Benign. Last evaluated: 2018-06-14. Review status: criteria provided, single submitter. Criteria: GeneDx Variant Classification (06012015). Collection method: clinical testing. Allele origin: germline. Affected: yes.
Comment: This variant is considered likely benign or benign based on one or more of the following criteria: it is a conservative change, it occurs at a poorly conserved position in the protein, it is predicted to be benign by multiple in silico algorithms, and/or has population frequency not consistent with disease.

NM_032119.4(ADGRV1):c.17594+210A>G

Gene: ADGRV1 (adhesion G protein-coupled receptor V1; plus strand). Cytogenetic location: 5q14.3.
Variant type: single nucleotide variant.
Coding change: c.17594+210A>G on transcript NM_032119.4 (MANE Select); 210 bases into the intron after coding-DNA position 17594, A replaced by G.
Molecular consequence: intron variant.
Genome position (GRCh38, 1-based): chr5:90,854,411, A>G. VCF-style: chr5-90854411-A-G. GRCh37 (hg19) VCF-style: chr5-90150228-A-G.
Identifiers: ClinVar variation 678813 (VCV000678813.1), dbSNP rs2438336, ClinGen allele CA122810229.